The following is an entry in ClinVar:

ClinVar aggregate classification (germline): Likely pathogenic. Review status: criteria provided, multiple submitters, no conflicts (2 of 4 stars). 2 submissions from 2 submitters: Likely pathogenic (2). Last evaluated 2025-03-05.

Conditions:
Epidermolysis bullosa dystrophica. Also called: Dystrophic epidermolysis bullosa, Hallopeau-Siemens type (formerly); Dystrophic epidermolysis bullosa. Identifiers: Orphanet 303, MedGen C0079294, MONDO:0006543.

Allele frequency attached by ClinVar (database versions not stated): gnomAD exomes below 0.00001.
gnomAD v4.1: 1 of 1,613,720 alleles (0.000062%); highest among the groups gnomAD compares: Admixed American, 0.0017%; no homozygotes.

Submissions (2):

Natera, Inc.
Classification: Likely pathogenic for Dystrophic epidermolysis bullosa. Last evaluated: 2025-03-05. Review status: criteria provided, single submitter. Criteria: Natera Variant Classification Schema (03/2026). Collection method: clinical testing. Allele origin: germline.
Comment: The c.4438-2A>G variant in COL7A1 is a canonical splice acceptor site variant predicted to affect pre-mRNA splicing, which may result in an abnormal transcript and altered protein product. This variant is expected to result in nonsense mediated decay, truncation, or a dysfunctional protein product. This variant is rare in the general population with a frequency below the threshold expected for the associated phenotype(s). Given the available evidence, this variant is classified as Likely Pathogenic.

Labcorp Genetics (formerly Invitae), Labcorp
Classification: Likely pathogenic. Last evaluated: 2023-07-13. Review status: criteria provided, single submitter. Criteria: Invitae Variant Classification Sherloc (09022015). Collection method: clinical testing. Allele origin: germline.
Comment: In summary, the currently available evidence indicates that the variant is pathogenic, but additional data are needed to prove that conclusively. Therefore, this variant has been classified as Likely Pathogenic. Algorithms developed to predict the effect of sequence changes on RNA splicing suggest that this variant may disrupt the consensus splice site. This variant has not been reported in the literature in individuals affected with COL7A1-related conditions. This variant is present in population databases (no rsID available, gnomAD 0.003%). This sequence change affects an acceptor splice site in intron 41 of the COL7A1 gene. It is expected to disrupt RNA splicing. Variants that disrupt the donor or acceptor splice site typically lead to a loss of protein function (PMID: 16199547), and loss-of-function variants in COL7A1 are known to be pathogenic (PMID: 16971478).

Literature cited by the submitters: PubMed 16199547 (cited by Labcorp Genetics (formerly Invitae), Labcorp); PubMed 16971478 (cited by Labcorp Genetics (formerly Invitae), Labcorp).

NM_000094.4(COL7A1):c.4438-2A>G

Gene: COL7A1 (collagen type VII alpha 1 chain; minus strand). Cytogenetic location: 3p21.31.
Variant type: single nucleotide variant.
Coding change: c.4438-2A>G on transcript NM_000094.4 (MANE Select); the canonical splice acceptor site of the intron before coding-DNA position 4438, A replaced by G.
Molecular consequence: splice acceptor variant.
Genome position (GRCh38, 1-based): chr3:48,583,173, T>C on the plus strand (A>G on the coding strand, the complement: COL7A1 is on the minus strand). VCF-style: chr3-48583173-T-C. GRCh37 (hg19) VCF-style: chr3-48620606-T-C.
Other names: c.4438-2A>G (NM_000094.3).
Identifiers: ClinVar variation 2742918 (VCV002742918.4), dbSNP rs1285755368, ClinGen allele CA352691490.
Genomic context (GRCh38, chr3:48,583,173, plus strand): 5'-CAGGTTGCACTTACCTTCTCTCCAGCCTCACCCAGGGGCCCTGGAAAGCCCCGGTCACCC[T>C]GAAGAGAGAGGGTGAGAGAAAGACAGAGAGAGAGAGGGTTGGTGGCGGGGCTTGAACGTC-3'